The following is an entry in ClinVar:

ClinVar aggregate classification (germline): Uncertain significance (1 of 4 stars; one submission).

Conditions:
Long QT syndrome (LQTS). Identifiers: MedGen C0023976, MeSH D008133, MONDO:0002442. Disease mechanism: loss of function. Inheritance: Various modes of inheritance.

Allele frequency attached by ClinVar (database versions not stated): gnomAD exomes below 0.00001; TOPMed below 0.00001; gnomAD 0.00001.
gnomAD v4.1: 4 of 1,614,032 alleles (0.00025%); highest among the groups gnomAD compares: African/African-American, 0.0013%; no homozygotes.

Submission:

Labcorp Genetics (formerly Invitae), Labcorp
Classification: Uncertain significance for Long QT syndrome. Last evaluated: 2022-07-14. Review status: criteria provided, single submitter. Criteria: Invitae Variant Classification Sherloc (09022015). Collection method: clinical testing. Allele origin: germline.
Comment: In summary, the available evidence is currently insufficient to determine the role of this variant in disease. Therefore, it has been classified as a Variant of Uncertain Significance. Algorithms developed to predict the effect of missense changes on protein structure and function are either unavailable or do not agree on the potential impact of this missense change (SIFT: "Tolerated"; PolyPhen-2: "Probably Damaging"; Align-GVGD: "Class C0"). This variant has not been reported in the literature in individuals affected with AKAP9-related conditions. This variant is present in population databases (no rsID available, gnomAD 0.007%). This sequence change replaces glutamic acid, which is acidic and polar, with lysine, which is basic and polar, at codon 3361 of the AKAP9 protein (p.Glu3361Lys).

NM_005751.5(AKAP9):c.10081G>A (p.Glu3361Lys)

Gene: AKAP9 (A-kinase anchoring protein 9; plus strand). Cytogenetic location: 7q21.2.
Variant type: single nucleotide variant.
Coding change: c.10081G>A on transcript NM_005751.5 (MANE Select); coding-DNA position 10081, G replaced by A.
Protein change: p.Glu3361Lys; replaces glutamic acid 3361 with lysine.
Molecular consequence: missense variant.
Genome position (GRCh38, 1-based): chr7:92,097,040, G>A. VCF-style: chr7-92097040-G-A. GRCh37 (hg19) VCF-style: chr7-91726354-G-A.
Other names: c.4726G>A, p.Glu1576Lys (NM_001379277.1); c.10057G>A, p.Glu3353Lys (NM_147185.3); short protein forms E3361K, E3353K, E1576K.
Identifiers: ClinVar variation 1977088 (VCV001977088.5), dbSNP rs1159169766, ClinGen allele CA368153354.
Genomic context (GRCh38, chr7:92,097,040, plus strand): 5'-TCAGAGGACCTACTGAAAGAGCTGCAGAAACAGCTAGAGGAAAAACACAGTCGCATAGTA[G>A]AATTGTTAAATGAGACTGAAAAATATAAACTGGATTCTTTGCAAACACGACAGCAAATGG-3'
Protein context (NP_005742.4, residues 3351-3371): QLEEKHSRIV[Glu3361Lys]LLNETEKYKL